The following is an entry in ClinVar:

ClinVar aggregate classification (germline): Conflicting classifications of pathogenicity. Review status: criteria provided, conflicting classifications (1 of 4 stars). 3 submissions from 3 submitters: Uncertain significance (1); Benign (1); Likely benign (1). Last evaluated 2025-12-01.

Conditions:
Hecht syndrome (DA7). Also called: Dutch-Kentucky syndrome; MOUTH, INABILITY TO OPEN COMPLETELY, AND SHORT FINGER-FLEXOR TENDONS. Identifiers: Orphanet 3377, MedGen C0265226, MONDO:0008016, OMIM 158300. Disease mechanism: gain of function.

Allele frequency attached by ClinVar (database versions not stated): 1000 Genomes Project 30x 0.00078; 1000 Genomes Project 0.00080; gnomAD exomes 0.00188; ExAC 0.00193; gnomAD 0.00202 and 0.00209; TOPMed 0.00204; ESP Exome Variant Server 0.00261.

Submissions (3):

CeGaT Center for Human Genetics Tuebingen
Classification: Benign. Last evaluated: 2025-12-01. Review status: criteria provided, single submitter. Criteria: CeGaT Center For Human Genetics Tuebingen Variant Classification Criteria Version 2. Collection method: clinical testing. Allele origin: germline. Affected: yes. Observed: 3 variant alleles.
Comment: MYH8: BS1, BS2

Labcorp Genetics (formerly Invitae), Labcorp
Classification: Likely benign. Last evaluated: 2019-12-31. Review status: criteria provided, single submitter. Criteria: Invitae Variant Classification Sherloc (09022015). Collection method: clinical testing. Allele origin: germline.

Illumina Laboratory Services, Illumina
Classification: Uncertain significance for Hecht syndrome. Last evaluated: 2018-01-12. Review status: criteria provided, single submitter. Criteria: ICSL Variant Classification Criteria 13 December 2019. Collection method: clinical testing. Allele origin: germline.

NM_002472.3(MYH8):c.4813G>A (p.Asp1605Asn)

Genes: MYH8 (myosin heavy chain 8; minus strand), MYHAS (myosin heavy chain gene cluster antisense RNA; plus strand). Cytogenetic location: 17p13.1.
Variant type: single nucleotide variant.
Coding change: c.4813G>A on transcript NM_002472.3 (MANE Select); coding-DNA position 4813, G replaced by A.
Protein change: p.Asp1605Asn; replaces aspartic acid 1605 with asparagine.
Molecular consequence: missense variant.
Genome position (GRCh38, 1-based): chr17:10,395,282, C>T on the plus strand (G>A on the coding strand, the complement: MYH8 is on the minus strand). VCF-style: chr17-10395282-C-T. GRCh37 (hg19) VCF-style: chr17-10298599-C-T.
Other names: short protein forms D1605N.
Identifiers: ClinVar variation 769429 (VCV000769429.32), dbSNP rs139344968, ClinGen allele CA8387197.